The following is an entry in ClinVar:

NM_138694.4(PKHD1):c.3824_3825delinsGAGGTCTGGGCTCCAGCTGCCGTGG (p.Asn1275fs)

Gene: PKHD1 (PKHD1 ciliary IPT domain containing fibrocystin/polyductin; minus strand). Cytogenetic location: 6p12.2.
Variant type: Indel.
Coding change: c.3824_3825delinsGAGGTCTGGGCTCCAGCTGCCGTGG on transcript NM_138694.4 (MANE Select); coding-DNA positions 3824 to 3825, AC replaced by GAGGTCTGGGCTCCAGCTGCCGTGG.
Protein change: p.Asn1275fs; shifts the reading frame from asparagine 1275.
Molecular consequence: frameshift variant.
Genome position (GRCh38, 1-based): chr6:52,025,985-52,025,986, GT replaced by CCACGGCAGCTGGAGCCCAGACCTC on the plus strand (AC replaced by GAGGTCTGGGCTCCAGCTGCCGTGG on the coding strand, the reverse complement: PKHD1 is on the minus strand). VCF-style: chr6-52025985-GT-CCACGGCAGCTGGAGCCCAGACCTC. GRCh37 (hg19) VCF-style: chr6-51890783-GT-CCACGGCAGCTGGAGCCCAGACCTC.
Other names: c.3824_3825delinsGAGGTCTGGGCTCCAGCTGCCGTGG, p.Asn1275fs (NM_170724.3); short protein forms N1275fs.
Identifiers: ClinVar variation 4816649 (VCV004816649.1).

ClinVar aggregate classification (germline): Likely pathogenic (1 of 4 stars; one submission).

Conditions:
Autosomal recessive polycystic kidney disease (ARPKD). Also called: AR polycystic kidney disease. Identifiers: Orphanet 731, Orphanet 8378, MedGen C0085548, MeSH D017044, MONDO:0009889.

Submission:

Natera, Inc.
Classification: Likely pathogenic for Autosomal recessive polycystic kidney disease. Last evaluated: 2025-01-24. Review status: criteria provided, single submitter. Criteria: Natera Variant Classification Schema (03/2026). Collection method: clinical testing. Allele origin: germline.
Comment: The c.3824_3825delACinsGAGGTCTGGGCTCCAGCTGCCGTGG variant in PKHD1 is a frameshift variant predicted to shift the reading frame beginning at codon 1275 and leads to a stop codon 36 codons downstream. This variant is expected to result in nonsense mediated decay, truncation, or a dysfunctional protein product. This variant is rare in the general population with a frequency below the threshold expected for the associated phenotype(s). Given the available evidence, this variant is classified as Likely Pathogenic.